The following is an entry in ClinVar:

ClinVar aggregate classification (germline): Benign (1 of 4 stars; one submission).

Conditions:
Basal laminar drusen. Also called: DRUSEN OF BRUCH MEMBRANE; DRUSEN, CUTICULAR; DRUSEN, EARLY ADULT-ONSET, GROUPED. Identifiers: Orphanet 75376, MedGen C0730295, MONDO:0007472, OMIM 126700.

Submission:

Centre for Mendelian Genomics, University Medical Centre Ljubljana
Classification: Benign for Basal laminar drusen. Last evaluated: 2019-05-08. Review status: criteria provided, single submitter. Criteria: ACMG Guidelines, 2015. Collection method: clinical testing. Allele origin: unknown. Affected: yes.
Comment: This variant was classified as: Benign. The following ACMG criteria were applied in classifying this variant: BS1,BS2.

NM_000186.4(CFH):c.1336+2322TTCT[2]

Gene: CFH (complement factor H; plus strand). Cytogenetic location: 1q31.3.
Variant type: Microsatellite.
Coding change: c.1336+2322TTCT[2] on transcript NM_000186.4 (MANE Select); two copies in a row of the 4-base unit TTCT starting at c.1336+2322.
Molecular consequence: intron variant.
Genome position: GRCh38 VCF-style: chr1-196692560-CTTCT-C. GRCh37 (hg19) VCF-style: chr1-196661690-CTTCT-C.
Other names: c.1336+2322TTCT[2] (NM_001014975.3).
Identifiers: ClinVar variation 932117 (VCV000932117.3), dbSNP rs151137602, ClinGen allele CA35826401.